The following is an entry in ClinVar:

NC_000007.13:g.(?_106888821)_(106938811_?)del

Gene: COG5 (component of oligomeric golgi complex 5; minus strand). Cytogenetic location: 7q22.3.
Variant type: Deletion.
Identifiers: ClinVar variation 3245791 (VCV003245791.1).

ClinVar aggregate classification (germline): Pathogenic (1 of 4 stars; one submission).

Conditions:
COG5-congenital disorder of glycosylation. Also called: CONGENITAL DISORDER OF GLYCOSYLATION, TYPE IIi; COG5-CDG; CDG IIi. Identifiers: Orphanet 263487, MedGen C3150876, MONDO:0013325, OMIM 613612.

Submission:

Labcorp Genetics (formerly Invitae), Labcorp
Classification: Pathogenic for COG5-congenital disorder of glycosylation. Last evaluated: 2023-07-25. Review status: criteria provided, single submitter. Criteria: Invitae Variant Classification Sherloc (09022015). Collection method: clinical testing. Allele origin: unknown.
Comment: For these reasons, this variant has been classified as Pathogenic. This variant has not been reported in the literature in individuals affected with COG5-related conditions. This variant is a gross deletion of the genomic region encompassing exon(s) 12-17 of the COG5 gene. This deletion is out-of-frame, and is expected to create a premature termination codon and result in an absent or disrupted protein product. Loss-of-function variants in COG5 are known to be pathogenic (PMID: 23228021).

Literature cited by the submitters: PubMed 23228021.